The following is an entry in ClinVar:

NM_001128148.3(TFRC):c.1596-3C>T

Gene: TFRC (transferrin receptor; minus strand). Cytogenetic location: 3q29.
Variant type: single nucleotide variant.
Coding change: c.1596-3C>T on transcript NM_001128148.3 (MANE Select); 3 bases into the intron before coding-DNA position 1596, C replaced by T.
Molecular consequence: intron variant.
Genome position (GRCh38, 1-based): chr3:196,058,368, G>A on the plus strand (C>T on the coding strand, the complement: TFRC is on the minus strand). VCF-style: chr3-196058368-G-A. GRCh37 (hg19) VCF-style: chr3-195785239-G-A.
Other names: c.750-3C>T (NM_001313966.2); c.1353-3C>T (NM_001313965.2); c.1596-3C>T (NM_003234.4).
Identifiers: ClinVar variation 3617943 (VCV003617943.2).
Genomic context (GRCh38, chr3:196,058,368, plus strand): 5'-TGGGATTCCAGAATATGCAAGGAAAGGGAAAGCAGCATTGTCTAAAGTGAGTTTCTCACT[G>A]CAAAGACAAAGAATGTGTCTTTAGAAAGTGTTTTAAAGAATAGACTGTTCTATCGTGCTA-3'

ClinVar aggregate classification (germline): Uncertain significance (1 of 4 stars; one submission).

gnomAD v4.1: 2 of 1,611,718 alleles (0.00012%); highest among the groups gnomAD compares: Non-Finnish European, 0.000085%; no homozygotes.

Submission:

Labcorp Genetics (formerly Invitae), Labcorp
Classification: Uncertain significance. Last evaluated: 2025-07-16. Review status: criteria provided, single submitter. Criteria: Invitae Variant Classification Sherloc (09022015). Collection method: clinical testing. Allele origin: germline.
Comment: This sequence change falls in intron 15 of the TFRC gene. It does not directly change the encoded amino acid sequence of the TFRC protein. It affects a nucleotide within the consensus splice site. This variant is not present in population databases (gnomAD no frequency). This variant has not been reported in the literature in individuals affected with TFRC-related conditions. ClinVar contains an entry for this variant (Variation ID: 3617943). Variants that disrupt the consensus splice site are a relatively common cause of aberrant splicing (PMID: 17576681, 9536098). Algorithms developed to predict the effect of sequence changes on RNA splicing suggest that this variant may disrupt the consensus splice site. In summary, the available evidence is currently insufficient to determine the role of this variant in disease. Therefore, it has been classified as a Variant of Uncertain Significance.

Literature cited by the submitters: PubMed 17576681; PubMed 9536098.